The following is an entry in ClinVar:

ClinVar aggregate classification (germline): Uncertain significance. Review status: criteria provided, multiple submitters, no conflicts (2 of 4 stars). 2 submissions from 2 submitters: Uncertain significance (2). Last evaluated 2026-07-01.

Conditions:
Seizures, benign familial infantile, 3 (BFIS3). Also called: Familial neonatal seizures; CONVULSIONS, BENIGN FAMILIAL INFANTILE, 3. Identifiers: Orphanet 140927, Orphanet 306, MedGen C1843140, MONDO:0011904, OMIM 607745.
Developmental and epileptic encephalopathy, 11 (DEE11). Also called: Early infantile epileptic encephalopathy 11. Identifiers: Orphanet 1934, MedGen C3150987, MONDO:0013388, OMIM 613721.

Submissions (2):

CeGaT Center for Human Genetics Tuebingen
Classification: Uncertain significance. Last evaluated: 2026-07-01. Review status: criteria provided, single submitter. Criteria: CeGaT Center For Human Genetics Tuebingen Variant Classification Criteria Version 2. Collection method: clinical testing. Allele origin: germline. Affected: yes. Observed: 1 variant allele.
Comment: SCN2A: PM2

Labcorp Genetics (formerly Invitae), Labcorp
Classification: Uncertain significance for Seizures, benign familial infantile, 3; Developmental and epileptic encephalopathy, 11. Last evaluated: 2025-01-28. Review status: criteria provided, single submitter. Criteria: Invitae Variant Classification Sherloc (09022015). Collection method: clinical testing. Allele origin: germline.
Comment: This sequence change replaces proline, which is neutral and non-polar, with threonine, which is neutral and polar, at codon 614 of the SCN2A protein (p.Pro614Thr). This variant is present in population databases (no rsID available, gnomAD no frequency). This variant has not been reported in the literature in individuals affected with SCN2A-related conditions. Invitae Evidence Modeling of protein sequence and biophysical properties (such as structural, functional, and spatial information, amino acid conservation, physicochemical variation, residue mobility, and thermodynamic stability) indicates that this missense variant is expected to disrupt SCN2A protein function with a positive predictive value of 95%. In summary, the available evidence is currently insufficient to determine the role of this variant in disease. Therefore, it has been classified as a Variant of Uncertain Significance.

NM_001040142.2(SCN2A):c.1840C>A (p.Pro614Thr)

Gene: SCN2A (sodium voltage-gated channel alpha subunit 2; plus strand). Cytogenetic location: 2q24.3.
Variant type: single nucleotide variant.
Coding change: c.1840C>A on transcript NM_001040142.2 (MANE Select); coding-DNA position 1840, C replaced by A.
Protein change: p.Pro614Thr; replaces proline 614 with threonine.
Molecular consequence: missense variant.
Genome position (GRCh38, 1-based): chr2:165,323,324, C>A. VCF-style: chr2-165323324-C-A. GRCh37 (hg19) VCF-style: chr2-166179834-C-A.
Other names: c.1840C>A, p.Pro614Thr (NM_001040143.2, NM_001371246.1, NM_001371247.1 and 1 more transcripts); short protein forms P614T.
Identifiers: ClinVar variation 3749386 (VCV003749386.3).